The following is an entry in ClinVar:

ClinVar aggregate classification (germline): Conflicting classifications of pathogenicity. Review status: criteria provided, conflicting classifications (1 of 4 stars). 3 submissions from 3 submitters: Uncertain significance (2); Likely benign (1). Last evaluated 2025-04-25.

Conditions:
Inborn genetic diseases. Identifiers: MedGen C0950123, MeSH D030342.
Landau-Kleffner syndrome (FESD). Also called: APHASIA, ACQUIRED, WITH EPILEPSY; EPILEPSY, FOCAL, WITH SPEECH DISORDER AND WITH OR WITHOUT MENTAL RETARDATION. Identifiers: Orphanet 1945, Orphanet 725, Orphanet 98818, MedGen C0282512, MONDO:0009509, OMIM 245570.

Submissions (3):

Ambry Genetics
Classification: Uncertain significance for Inborn genetic diseases. Last evaluated: 2025-04-25. Review status: criteria provided, single submitter. Criteria: Ambry Variant Classification Scheme 2023. Collection method: clinical testing. Allele origin: germline.

Labcorp Genetics (formerly Invitae), Labcorp
Classification: Likely benign for Landau-Kleffner syndrome. Last evaluated: 2025-03-18. Review status: criteria provided, single submitter. Criteria: Invitae Variant Classification Sherloc (09022015). Collection method: clinical testing. Allele origin: germline.

CeGaT Center for Human Genetics Tuebingen
Classification: Uncertain significance. Last evaluated: 2022-07-01. Review status: criteria provided, single submitter. Criteria: CeGaT Center For Human Genetics Tuebingen Variant Classification Criteria Version 2. Collection method: clinical testing. Allele origin: germline. Affected: yes. Observed: 1 variant allele.
Comment: GRIN2A: PM2, BP4

NM_001134407.3(GRIN2A):c.3271G>A (p.Ala1091Thr)

Gene: GRIN2A (glutamate ionotropic receptor NMDA type subunit 2A; minus strand). Cytogenetic location: 16p13.2.
Variant type: single nucleotide variant.
Coding change: c.3271G>A on transcript NM_001134407.3 (MANE Select); coding-DNA position 3271, G replaced by A.
Protein change: p.Ala1091Thr; replaces alanine 1091 with threonine.
Molecular consequence: missense variant.
Genome position (GRCh38, 1-based): chr16:9,764,273, C>T on the plus strand (G>A on the coding strand, the complement: GRIN2A is on the minus strand). VCF-style: chr16-9764273-C-T. GRCh37 (hg19) VCF-style: chr16-9858130-C-T.
Other names: c.3271G>A, p.Ala1091Thr (NM_000833.5, NM_001134408.2); c.3271G>A (NM_000833.3); short protein forms A1091T.
Identifiers: ClinVar variation 1381016 (VCV001381016.32), dbSNP rs2141133924, ClinGen allele CA394708231.